The following is an entry in ClinVar:

NM_001148.6(ANK2):c.9760G>A (p.Val3254Ile)

Gene: ANK2 (ankyrin 2; plus strand). Cytogenetic location: 4q26.
Variant type: single nucleotide variant.
Coding change: c.9760G>A on transcript NM_001148.6 (MANE Select); coding-DNA position 9760, G replaced by A.
Protein change: p.Val3254Ile; replaces valine 3254 with isoleucine.
Molecular consequence: missense variant. On other transcripts: intron variant (68).
Genome position (GRCh38, 1-based): chr4:113,358,378, G>A. VCF-style: chr4-113358378-G-A. GRCh37 (hg19) VCF-style: chr4-114279534-G-A.
Other names: c.9526G>A, p.Val3176Ile (NM_001386142.1); c.6160G>A, p.Val2054Ile (NM_001386166.1); c.9901G>A, p.Val3301Ile (NM_001386174.1); c.9877G>A, p.Val3293Ile (NM_001386175.1); c.4412-2445G>A (NM_001386186.2, NM_001386148.2); c.4214-2445G>A (NM_001354269.3); c.4292-2445G>A (NM_001386187.2); c.4253-2445G>A (NM_001386147.1); and 35 more; short protein forms V2054I, V3293I, V3176I, V3254I, V3301I.
Identifiers: ClinVar variation 1525755 (VCV001525755.6), dbSNP rs2154029715, ClinGen allele CA357938898.

ClinVar aggregate classification (germline): Uncertain significance (1 of 4 stars; one submission).

Conditions:
Long QT syndrome (LQTS). Identifiers: MedGen C0023976, MeSH D008133, MONDO:0002442. Disease mechanism: loss of function. Inheritance: Various modes of inheritance.

Submission:

Labcorp Genetics (formerly Invitae), Labcorp
Classification: Uncertain significance for Long QT syndrome. Last evaluated: 2025-02-10. Review status: criteria provided, single submitter. Criteria: Invitae Variant Classification Sherloc (09022015). Collection method: clinical testing. Allele origin: germline.
Comment: This sequence change replaces valine, which is neutral and non-polar, with isoleucine, which is neutral and non-polar, at codon 3254 of the ANK2 protein (p.Val3254Ile). This variant is not present in population databases (gnomAD no frequency). This variant has not been reported in the literature in individuals affected with ANK2-related conditions. ClinVar contains an entry for this variant (Variation ID: 1525755). An algorithm developed to predict the effect of missense changes on protein structure and function outputs the following: PolyPhen-2: "Benign". The isoleucine amino acid residue is found in multiple mammalian species, which suggests that this missense change does not adversely affect protein function. In summary, the available evidence is currently insufficient to determine the role of this variant in disease. Therefore, it has been classified as a Variant of Uncertain Significance.